The following is an entry in ClinVar:

NM_177438.3(DICER1):c.972G>A (p.Met324Ile)

Gene: DICER1 (dicer 1, ribonuclease III; minus strand). Cytogenetic location: 14q32.13.
Variant type: single nucleotide variant.
Coding change: c.972G>A on transcript NM_177438.3 (MANE Select); coding-DNA position 972, G replaced by A.
Protein change: p.Met324Ile; replaces methionine 324 with isoleucine.
Molecular consequence: missense variant.
Genome position (GRCh38, 1-based): chr14:95,124,600, C>T on the plus strand (G>A on the coding strand, the complement: DICER1 is on the minus strand). VCF-style: chr14-95124600-C-T. GRCh37 (hg19) VCF-style: chr14-95590937-C-T.
Other names: c.972G>A, p.Met324Ile (NM_001195573.1, NM_001271282.3, NM_001291628.2 and 1 more transcripts); short protein forms M324I.
Identifiers: ClinVar variation 543585 (VCV000543585.17), dbSNP rs1555374806, ClinGen allele CA390887260.

ClinVar aggregate classification (germline): Uncertain significance. Review status: criteria provided, multiple submitters, no conflicts (2 of 4 stars). 2 submissions from 2 submitters: Uncertain significance (2). Last evaluated 2026-01-24.

Conditions:
DICER1-related tumor predisposition. Also called: DICER1-related pleuropulmonary blastoma cancer predisposition syndrome; DICER1 syndrome. Identifiers: Orphanet 284343, MedGen C3839822, MONDO:0100216.
Hereditary cancer-predisposing syndrome. Also called: Neoplastic Syndromes, Hereditary; Tumor predisposition; Hereditary Cancer Syndrome; Hereditary neoplastic syndrome. Identifiers: Orphanet 140162, MedGen C0027672, MeSH D009386, MONDO:0015356.

Submissions (2):

Labcorp Genetics (formerly Invitae), Labcorp
Classification: Uncertain significance for DICER1-related tumor predisposition. Last evaluated: 2026-01-24. Review status: criteria provided, single submitter. Criteria: Invitae Variant Classification Sherloc (09022015). Collection method: clinical testing. Allele origin: germline.
Comment: This sequence change replaces methionine, which is neutral and non-polar, with isoleucine, which is neutral and non-polar, at codon 324 of the DICER1 protein (p.Met324Ile). This variant is not present in population databases (gnomAD no frequency). This variant has not been reported in the literature in individuals affected with DICER1-related conditions. ClinVar contains an entry for this variant (Variation ID: 543585). Invitae Evidence Modeling of protein sequence and biophysical properties (such as structural, functional, and spatial information, amino acid conservation, physicochemical variation, residue mobility, and thermodynamic stability) indicates that this missense variant is not expected to disrupt DICER1 protein function with a negative predictive value of 95%. In summary, the available evidence is currently insufficient to determine the role of this variant in disease. Therefore, it has been classified as a Variant of Uncertain Significance.

Ambry Genetics
Classification: Uncertain significance for Hereditary cancer-predisposing syndrome. Last evaluated: 2025-08-31. Review status: criteria provided, single submitter. Criteria: Ambry Variant Classification Scheme 2023. Collection method: clinical testing. Allele origin: germline.
Comment: The p.M324I variant (also known as c.972G>A), located in coding exon 7 of the DICER1 gene, results from a G to A substitution at nucleotide position 972. The methionine at codon 324 is replaced by isoleucine, an amino acid with highly similar properties. This amino acid position is well conserved in available vertebrate species. In addition, this alteration is predicted to be tolerated by in silico analysis. Since supporting evidence is limited at this time, the clinical significance of this alteration remains unclear.